The following is an entry in ClinVar:

ClinVar aggregate classification (germline): Pathogenic (1 of 4 stars; one submission).

Conditions:
Metachromatic leukodystrophy (MLD). Also called: ARSA DEFICIENCY; CEREBROSIDE SULFATASE DEFICIENCY; METACHROMATIC LEUKOENCEPHALOPATHY; SULFATIDE LIPIDOSIS; Cerebral sclerosis diffuse metachromatic form; Arylsulfatase A Deficiency. Identifiers: Orphanet 512, MedGen C0023522, MONDO:0018868, OMIM 250100.

Submission:

Myriad Genetics, Inc.
Classification: Pathogenic for Metachromatic leukodystrophy. Last evaluated: 2025-06-28. Review status: criteria provided, single submitter. Criteria: Myriad Autosomal Dominant, Autosomal Recessive and X-Linked Classification Criteria (2023). Collection method: clinical testing. Allele origin: unknown.
Comment: NM_000487.5(ARSA):c.751dupG(D251Gfs*24) is expected to be pathogenic in the context of metachromatic leukodystrophy. This variant is predicted to lead to an abnormal or absent protein product due to the creation of a premature termination codon in ARSA, a gene where loss-of-function variants are known to be pathogenic. Please note: this variant was assessed in the context of healthy population screening.

NM_000487.6(ARSA):c.751dup (p.Asp251fs)

Gene: ARSA (arylsulfatase A; minus strand). Cytogenetic location: 22q13.33.
Variant type: Duplication.
Coding change: c.751dup on transcript NM_000487.6 (MANE Select); coding-DNA position 751, one base duplicated (G; older notation c.751dupG).
Protein change: p.Asp251fs; shifts the reading frame from aspartic acid 251.
Molecular consequence: frameshift variant.
Genome position (GRCh38, 1-based): chr22:50,626,694, C duplicated on the plus strand (G on the coding strand, the reverse complement: ARSA is on the minus strand); the first of 4 consecutive C bases (chr22:50,626,694-50,626,697); duplicating any one gives the same sequence. VCF-style (leftmost placement, unchanged base first): chr22-50626693-T-TC. GRCh37 (hg19) VCF-style: chr22-51065121-T-TC.
Other names: c.751dup, p.Asp251fs (NM_001085425.3, NM_001085426.3, NM_001085427.3); c.493dup, p.Asp165fs (NM_001085428.3, NM_001362782.2); short protein forms D165fs, D251fs.
Identifiers: ClinVar variation 5014656 (VCV005014656.1).